The following is an entry in ClinVar:

ClinVar aggregate classification (germline): Uncertain significance (1 of 4 stars; one submission).

Conditions:
Charcot-Marie-Tooth disease type 2. Also called: Charcot-Marie-Tooth type 2. Identifiers: Orphanet 64746, MedGen C0270914, MONDO:0018993.

Submission:

Labcorp Genetics (formerly Invitae), Labcorp
Classification: Uncertain significance for Charcot-Marie-Tooth disease type 2. Last evaluated: 2020-02-26. Review status: criteria provided, single submitter. Criteria: Invitae Variant Classification Sherloc (09022015). Collection method: clinical testing. Allele origin: germline.
Comment: This variant, c.647_664dup, results in the insertion of 6 amino acid(s) to the LMNA protein (p.Arg216_Arg221dup), but otherwise preserves the integrity of the reading frame. Experimental studies and prediction algorithms are not available or were not evaluated, and the functional significance of this variant is currently unknown. This variant has not been reported in the literature in individuals with LMNA-related conditions. This variant is not present in population databases (ExAC no frequency). In summary, the available evidence is currently insufficient to determine the role of this variant in disease. Therefore, it has been classified as a Variant of Uncertain Significance. Algorithms developed to predict the effect of sequence changes on RNA splicing suggest that this variant may create or strengthen a splice site, but this prediction has not been confirmed by published transcriptional studies.

NM_170707.4(LMNA):c.647_664dup (p.Arg216_Arg221dup)

Gene: LMNA (lamin A/C; plus strand). Cytogenetic location: 1q22.
Variant type: Duplication.
Coding change: c.647_664dup on transcript NM_170707.4 (MANE Select); coding-DNA positions 647 to 664, 18 bases duplicated (GTGAGACCAAGCGCCGTC).
Protein change: p.Arg216_Arg221dup.
Molecular consequence: inframe insertion.
Genome position (GRCh38, 1-based): chr1:156,134,812-156,134,829, GTGAGACCAAGCGCCGTC duplicated; duplicating any 18 consecutive bases within chr1:156,134,811-156,134,829 gives the same sequence; the c. name uses the placement nearest the transcript's 3' end. VCF-style (leftmost placement, unchanged base first): chr1-156134810-G-GCGTGAGACCAAGCGCCGT. GRCh37 (hg19) VCF-style: chr1-156104601-G-GCGTGAGACCAAGCGCCGT.
Other names: c.311_328dup, p.Arg104_Arg109dup (NM_001257374.3); c.404_421dup, p.Arg135_Arg140dup (NM_001282624.2); c.647_664dup, p.Arg216_Arg221dup (NM_001282625.2, NM_001282626.2, NM_005572.4 and 1 more transcripts).
Identifiers: ClinVar variation 1024987 (VCV001024987.9), dbSNP rs1651388987, ClinGen allele CA1200471857.